The following is an entry in ClinVar:

NM_020822.3(KCNT1):c.3462G>A (p.Lys1154=)

Gene: KCNT1 (potassium sodium-activated channel subfamily T member 1; plus strand). Cytogenetic location: 9q34.3.
Variant type: single nucleotide variant.
Coding change: c.3462G>A on transcript NM_020822.3 (MANE Select); coding-DNA position 3462, G replaced by A.
Protein change: p.Lys1154=; no amino-acid change (lysine 1154 retained).
Molecular consequence: synonymous variant.
Genome position (GRCh38, 1-based): chr9:135,786,481, G>A. VCF-style: chr9-135786481-G-A. GRCh37 (hg19) VCF-style: chr9-138678327-G-A.
Other names: c.3327G>A, p.Lys1109= (NM_001272003.2).
Identifiers: ClinVar variation 3251222 (VCV003251222.18), dbSNP rs2491108598.

ClinVar aggregate classification (germline): Likely benign (1 of 4 stars; one submission).

Submission:

CeGaT Center for Human Genetics Tuebingen
Classification: Likely benign. Last evaluated: 2024-06-01. Review status: criteria provided, single submitter. Criteria: CeGaT Center For Human Genetics Tuebingen Variant Classification Criteria Version 2. Collection method: clinical testing. Allele origin: germline. Affected: yes. Observed: 1 variant allele.
Comment: KCNT1: PM2:Supporting, BP4, BP7